The following is an entry in ClinVar:

ClinVar aggregate classification (germline): Likely benign. Review status: criteria provided, multiple submitters, no conflicts (2 of 4 stars). 6 submissions from 6 submitters: Likely benign (6). Last evaluated 2026-01-27.

Conditions:
Cardiovascular phenotype. Identifiers: MedGen CN230736.
Cardiac arrhythmia. Also called: Cardiac rhythm disease; Arrhythmia. Identifiers: MedGen C0003811, MONDO:0007263, HP:0011675.
Long QT syndrome (LQTS). Identifiers: MedGen C0023976, MeSH D008133, MONDO:0002442. Disease mechanism: loss of function. Inheritance: Various modes of inheritance.

Allele frequency attached by ClinVar (database versions not stated): TOPMed 0.00008; 1000 Genomes Project 30x 0.00016; 1000 Genomes Project 0.00020.
gnomAD v4.1: 86 of 1,614,124 alleles (0.0053%); highest among the groups gnomAD compares: Admixed American, 0.0083%; no homozygotes.

Submissions (6):

Labcorp Genetics (formerly Invitae), Labcorp
Classification: Likely benign for Long QT syndrome. Last evaluated: 2026-01-27. Review status: criteria provided, single submitter. Criteria: Invitae Variant Classification Sherloc (09022015). Collection method: clinical testing. Allele origin: germline.

Blueprint Genetics
Classification: Likely benign. Last evaluated: 2024-11-14. Review status: criteria provided, single submitter. Criteria: ACMG Guidelines, 2015. Collection method: clinical testing. Allele origin: germline.

All of Us Research Program, National Institutes of Health
Classification: Likely benign for Long QT syndrome. Last evaluated: 2024-02-05. Review status: criteria provided, single submitter. Criteria: ACMG Guidelines, 2015. Collection method: clinical testing. Allele origin: germline. Inheritance: Autosomal dominant inheritance. Observed: 19 variant alleles, 19 heterozygotes.
Comment: This study involves interpretation of variants in research participants for the purpose of population health screening. Participant phenotype was not available at the time of variant classification. Additional details can be found in publication PMID: 35346344, PMCID: PMC8962531

Molecular Diagnostic Laboratory for Inherited Cardiovascular Disease, Montreal Heart Institute
Classification: Likely benign. Last evaluated: 2019-07-10. Review status: criteria provided, single submitter. Criteria: ACMG Guidelines, 2015. Collection method: clinical testing. Allele origin: germline. Affected: yes.

Color Diagnostics, LLC DBA Color Health
Classification: Likely benign for Arrhythmia. Last evaluated: 2018-11-27. Review status: criteria provided, single submitter. Criteria: ACMG Guidelines, 2015. Collection method: clinical testing. Allele origin: germline.

Ambry Genetics
Classification: Likely benign for Cardiovascular phenotype. Last evaluated: 2017-11-28. Review status: criteria provided, single submitter. Criteria: Ambry Variant Classification Scheme 2023. Collection method: clinical testing. Allele origin: germline.

NM_000238.4(KCNH2):c.1500C>T (p.Ile500=)

Gene: KCNH2 (potassium voltage-gated channel subfamily H member 2; minus strand). Cytogenetic location: 7q36.1.
Variant type: single nucleotide variant.
Coding change: c.1500C>T on transcript NM_000238.4 (MANE Select); coding-DNA position 1500, C replaced by T.
Protein change: p.Ile500=; no amino-acid change (isoleucine 500 retained).
Molecular consequence: synonymous variant. On other transcripts: non-coding transcript variant (2).
Genome position (GRCh38, 1-based): chr7:150,952,482, G>A on the plus strand (C>T on the coding strand, the complement: KCNH2 is on the minus strand). VCF-style: chr7-150952482-G-A. GRCh37 (hg19) VCF-style: chr7-150649570-G-A.
Other names: c.480C>T, p.Ile160= (NM_001204798.2, NM_172057.3); c.1212C>T, p.Ile404= (NM_001406753.1, NM_001406756.1); c.1323C>T, p.Ile441= (NM_001406755.1); c.1200C>T, p.Ile400= (NM_001406757.1); c.1500C>T, p.Ile500= (NM_172056.3).
Identifiers: ClinVar variation 456889 (VCV000456889.24), dbSNP rs147126965, ClinGen allele CA028209.